The following is an entry in ClinVar:

ClinVar aggregate classification (germline): Likely pathogenic. Review status: criteria provided, multiple submitters, no conflicts (2 of 4 stars). 2 submissions from 2 submitters: Likely pathogenic (2). Last evaluated 2024-09-09.

Conditions:
Sjögren-Larsson syndrome (SLS). Also called: FALDH DEFICIENCY; FATTY ALCOHOL:NAD+ OXIDOREDUCTASE DEFICIENCY; FATTY ALDEHYDE DEHYDROGENASE DEFICIENCY; ICHTHYOSIS, SPASTIC NEUROLOGIC DISORDER, AND OLIGOPHRENIA. Identifiers: Orphanet 816, MedGen C0037231, MONDO:0010031, OMIM 270200.

Submissions (2):

Natera, Inc.
Classification: Likely pathogenic for Sjögren-Larsson syndrome. Last evaluated: 2024-09-09. Review status: criteria provided, single submitter. Criteria: Natera Variant Classification Schema (03/2026). Collection method: clinical testing. Allele origin: germline.
Comment: The c.1160_1207+66del variant in ALDH3A2 is a deletion affecting a canonical splice donor site and part of an exon. This variant is expected to result in nonsense mediated decay, truncation, or a dysfunctional protein product. This variant is rare in the general population with a frequency below the threshold expected for the associated phenotype(s). Given the available evidence, this variant is classified as Likely Pathogenic.

Labcorp Genetics (formerly Invitae), Labcorp
Classification: Likely pathogenic. Last evaluated: 2022-12-19. Review status: criteria provided, single submitter. Criteria: Invitae Variant Classification Sherloc (09022015). Collection method: clinical testing. Allele origin: germline.
Comment: This variant results in the deletion of part of exon 8 (c.1160_1207+66del) of the ALDH3A2 gene. It is expected to disrupt RNA splicing. Variants that disrupt the donor or acceptor splice site typically lead to a loss of protein function (PMID: 16199547), and loss-of-function variants in ALDH3A2 are known to be pathogenic (PMID: 10577908, 10854114). This variant is not present in population databases (gnomAD no frequency). This variant has not been reported in the literature in individuals affected with ALDH3A2-related conditions. Algorithms developed to predict the effect of sequence changes on RNA splicing suggest that this variant may disrupt the consensus splice site. In summary, the currently available evidence indicates that the variant is pathogenic, but additional data are needed to prove that conclusively. Therefore, this variant has been classified as Likely Pathogenic.

Literature cited by the submitters: PubMed 16199547 (cited by Labcorp Genetics (formerly Invitae), Labcorp); PubMed 10577908 (cited by Labcorp Genetics (formerly Invitae), Labcorp); PubMed 10854114 (cited by Labcorp Genetics (formerly Invitae), Labcorp).

NM_000382.3(ALDH3A2):c.1160_1207+66del

Gene: ALDH3A2 (aldehyde dehydrogenase 3 family member A2; plus strand). Cytogenetic location: 17p11.2.
Variant type: Deletion.
Coding change: c.1160_1207+66del on transcript NM_000382.3 (MANE Select); coding-DNA position 1160 through 66 bases into the intron after coding-DNA position 1207, 114 bases deleted.
Molecular consequence: splice donor variant.
Genome position (GRCh38, 1-based): chr17:19,665,000-19,665,113, 114 bases deleted. GRCh37 (hg19): chr17:19,568,313-19,568,426.
Other names: c.581_628+66del (NM_001369148.2); c.1160_1207+66del (NM_001369137.2, NM_001369138.2, NM_001369146.2 and 4 more transcripts).
Identifiers: ClinVar variation 2822252 (VCV002822252.4), dbSNP rs2544393267, ClinGen allele CA2739267255.